The following is an entry in ClinVar:

ClinVar aggregate classification (germline): Uncertain significance (1 of 4 stars; one submission).

Conditions:
X-linked agammaglobulinemia with growth hormone deficiency (IGHD3). Also called: AGAMMAGLOBULINEMIA AND ISOLATED GROWTH HORMONE DEFICIENCY, X-LINKED; ISOLATED GROWTH HORMONE DEFICIENCY, TYPE III, WITH AGAMMAGLOBULINEMIA; FLEISHER SYNDROME; HYPOGAMMAGLOBULINEMIA AND ISOLATED GROWTH HORMONE DEFICIENCY, X-LINKED; IGHD III; Isolated growth hormone deficiency type 3. Identifiers: Orphanet 231692, Orphanet 631, MedGen C0472813, MONDO:0010615, OMIM 307200.

Allele frequency attached by ClinVar (database versions not stated): gnomAD exomes below 0.00001.
gnomAD v4.1: 1 of 1,211,665 alleles (0.000083%); highest among the groups gnomAD compares: Non-Finnish European, 0.00011%; no homozygotes.

Submission:

Labcorp Genetics (formerly Invitae), Labcorp
Classification: Uncertain significance for X-linked agammaglobulinemia with growth hormone deficiency. Last evaluated: 2018-09-19. Review status: criteria provided, single submitter. Criteria: Invitae Variant Classification Sherloc (09022015). Collection method: clinical testing. Allele origin: germline.
Comment: This variant has not been reported in the literature in individuals with BTK-related disease. Algorithms developed to predict the effect of missense changes on protein structure and function are either unavailable or do not agree on the potential impact of this missense change (SIFT: "Deleterious"; PolyPhen-2: "Benign"; Align-GVGD: "Class C15"). In summary, the available evidence is currently insufficient to determine the role of this variant in disease. Therefore, it has been classified as a Variant of Uncertain Significance. This variant is not present in population databases (ExAC no frequency). This sequence change replaces threonine with isoleucine at codon 410 of the BTK protein (p.Thr410Ile). The threonine residue is moderately conserved and there is a moderate physicochemical difference between threonine and isoleucine.

NM_000061.3(BTK):c.1229C>T (p.Thr410Ile)

Gene: BTK (Bruton tyrosine kinase; minus strand). Cytogenetic location: Xq22.1.
Variant type: single nucleotide variant.
Coding change: c.1229C>T on transcript NM_000061.3 (MANE Select); coding-DNA position 1229, C replaced by T.
Protein change: p.Thr410Ile; replaces threonine 410 with isoleucine.
Molecular consequence: missense variant. On other transcripts: intron variant (1).
Genome position (GRCh38, 1-based): chrX:101,356,904, G>A on the plus strand (C>T on the coding strand, the complement: BTK is on the minus strand). VCF-style: chrX-101356904-G-A. GRCh37 (hg19) VCF-style: chrX-100611892-G-A.
Other names: c.1331C>T, p.Thr444Ile (NM_001287344.2); c.1038+1470C>T (NM_001287345.2); short protein forms T444I, T410I.
Identifiers: ClinVar variation 660817 (VCV000660817.9), dbSNP rs1603005179, ClinGen allele CA413925377.
Genomic context (GRCh38, chrX:101,356,904, plus strand): 5'-TTGATGGCCACGTCGTACTGGCCTCTCCATTTCCCATACTTCACTACCCCAAATTGTCCA[G>A]TCCCCAGCTCCTTCAAGAAGGTCAGGTCCTTTGGATCAATTTCCCATGATCCTAACAATA-3'
Protein context (NP_000052.1, residues 400-420): KDLTFLKELG[Thr410Ile]GQFGVVKYGK